The following is an entry in ClinVar:

ClinVar aggregate classification (germline): Likely benign. Review status: criteria provided, single submitter (1 of 4 stars). 2 submissions from 2 submitters: Likely benign (1). 1 of the submissions does not count toward it. Last evaluated 2022-10-17.

Conditions:
PCDH15-related disorder. Also called: PCDH15-related condition; PCDH15-related disorders.

Allele frequency attached by ClinVar (database versions not stated): gnomAD exomes below 0.00001; gnomAD 0.00001; TOPMed below 0.00001; ExAC 0.00001.
gnomAD v4.1: 5 of 1,604,152 alleles (0.00031%); highest among the groups gnomAD compares: Non-Finnish European, 0.00043%; no homozygotes.

Submissions (2):

Labcorp Genetics (formerly Invitae), Labcorp
Classification: Likely benign. Last evaluated: 2022-10-17. Review status: criteria provided, single submitter. Criteria: Invitae Variant Classification Sherloc (09022015). Collection method: clinical testing. Allele origin: germline.

PreventionGenetics, part of Exact Sciences
Classification: Likely benign for PCDH15-related condition. Last evaluated: 2021-04-12. Review status: no assertion criteria provided. Collection method: clinical testing. Allele origin: germline. Not counted in ClinVar's aggregate classification.
Comment: This variant is classified as likely benign based on ACMG/AMP sequence variant interpretation guidelines (Richards et al. 2015 PMID: 25741868, with internal and published modifications).

NM_001384140.1(PCDH15):c.3010-7T>C

Gene: PCDH15 (protocadherin related 15; minus strand). Cytogenetic location: 10q21.1.
Variant type: single nucleotide variant.
Coding change: c.3010-7T>C on transcript NM_001384140.1 (MANE Select); 7 bases into the intron before coding-DNA position 3010, T replaced by C.
Molecular consequence: intron variant.
Genome position (GRCh38, 1-based): chr10:53,959,851, A>G on the plus strand (T>C on the coding strand, the complement: PCDH15 is on the minus strand). VCF-style: chr10-53959851-A-G. GRCh37 (hg19) VCF-style: chr10-55719611-A-G.
Other names: c.3025-7T>C (NM_001142771.2, NM_001142763.2); c.3010-7T>C (NM_001142770.3, NM_001142766.2, NM_033056.4 and 4 more transcripts); c.3031-7T>C (NM_001354411.2); c.3046-7T>C (NM_001142769.3); c.2944-7T>C (NM_001354404.2, NM_001142773.2, NM_001142768.2); c.2899-7T>C (NM_001142767.2); c.2797-7T>C (NM_001142765.2).
Identifiers: ClinVar variation 1137394 (VCV001137394.11), dbSNP rs781753578, ClinGen allele CA5505828.